The following is an entry in ClinVar:

NM_001363711.2(DUOX2):c.281G>T (p.Gly94Val)

Gene: DUOX2 (dual oxidase 2; minus strand). Cytogenetic location: 15q21.1.
Variant type: single nucleotide variant.
Coding change: c.281G>T on transcript NM_001363711.2 (MANE Select); coding-DNA position 281, G replaced by T.
Protein change: p.Gly94Val; replaces glycine 94 with valine.
Molecular consequence: missense variant.
Genome position (GRCh38, 1-based): chr15:45,112,598, C>A on the plus strand (G>T on the coding strand, the complement: DUOX2 is on the minus strand). VCF-style: chr15-45112598-C-A. GRCh37 (hg19) VCF-style: chr15-45404796-C-A.
Other names: c.281G>T, p.Gly94Val (NM_014080.5); c.281G>T (NM_014080.4); short protein forms G94V.
Identifiers: ClinVar variation 1963104 (VCV001963104.5), dbSNP rs750783895, ClinGen allele CA7539045.

ClinVar aggregate classification (germline): Uncertain significance. Review status: criteria provided, multiple submitters, no conflicts (2 of 4 stars). 2 submissions from 2 submitters: Uncertain significance (2). Last evaluated 2025-06-11.

Conditions:
Inborn genetic diseases. Identifiers: MedGen C0950123, MeSH D030342.

Allele frequency attached by ClinVar (database versions not stated): ExAC 0.00001; gnomAD exomes below 0.00001; gnomAD 0.00004; TOPMed 0.00005.
gnomAD v4.1: 8 of 1,612,810 alleles (0.0005%); highest among the groups gnomAD compares: African/African-American, 0.011%; no homozygotes.

Submissions (2):

Ambry Genetics
Classification: Uncertain significance for Inborn genetic diseases. Last evaluated: 2025-06-11. Review status: criteria provided, single submitter. Criteria: Ambry Variant Classification Scheme 2023. Collection method: clinical testing. Allele origin: germline.

Labcorp Genetics (formerly Invitae), Labcorp
Classification: Uncertain significance. Last evaluated: 2024-07-15. Review status: criteria provided, single submitter. Criteria: Invitae Variant Classification Sherloc (09022015). Collection method: clinical testing. Allele origin: germline.
Comment: This sequence change replaces glycine, which is neutral and non-polar, with valine, which is neutral and non-polar, at codon 94 of the DUOX2 protein (p.Gly94Val). This variant is present in population databases (rs750783895, gnomAD 0.02%). This variant has not been reported in the literature in individuals affected with DUOX2-related conditions. ClinVar contains an entry for this variant (Variation ID: 1963104). Advanced modeling of protein sequence and biophysical properties (such as structural, functional, and spatial information, amino acid conservation, physicochemical variation, residue mobility, and thermodynamic stability) performed at Invitae indicates that this missense variant is expected to disrupt DUOX2 protein function with a positive predictive value of 80%. In summary, the available evidence is currently insufficient to determine the role of this variant in disease. Therefore, it has been classified as a Variant of Uncertain Significance.